The following is an entry in ClinVar:

ClinVar aggregate classification (germline): Uncertain significance. Review status: criteria provided, multiple submitters, no conflicts (2 of 4 stars). 2 submissions from 2 submitters: Uncertain significance (2). Last evaluated 2024-04-15.

Conditions:
Intestinal hypomagnesemia 1. Also called: HYPOMAGNESEMIA, INTESTINAL, WITH SECONDARY HYPOCALCEMIA; HYPOMAGNESEMIC TETANY. Identifiers: Orphanet 30924, MedGen C1865974, MONDO:0011176, OMIM 602014.

Allele frequency attached by ClinVar (database versions not stated): gnomAD 0.00001; TOPMed 0.00003; ESP Exome Variant Server 0.00008; ExAC 0.00011.
gnomAD v4.1: 30 of 1,613,422 alleles (0.0019%); highest among the groups gnomAD compares: Admixed American, 0.035%; no homozygotes.

Submissions (2):

Fulgent Genetics
Classification: Uncertain significance for Intestinal hypomagnesemia 1. Last evaluated: 2024-04-15. Review status: criteria provided, single submitter. Criteria: ACMG Guidelines, 2015. Collection method: clinical testing. Allele origin: germline.

Labcorp Genetics (formerly Invitae), Labcorp
Classification: Uncertain significance. Last evaluated: 2022-01-27. Review status: criteria provided, single submitter. Criteria: Invitae Variant Classification Sherloc (09022015). Collection method: clinical testing. Allele origin: germline.
Comment: This sequence change replaces arginine, which is basic and polar, with histidine, which is basic and polar, at codon 468 of the TRPM6 protein (p.Arg468His). The frequency data for this variant in the population databases is considered unreliable, as metrics indicate poor data quality at this position in the gnomAD database. This variant has not been reported in the literature in individuals affected with TRPM6-related conditions. In summary, the available evidence is currently insufficient to determine the role of this variant in disease. Therefore, it has been classified as a Variant of Uncertain Significance. Algorithms developed to predict the effect of missense changes on protein structure and function output the following: SIFT: "Deleterious"; PolyPhen-2: "Benign"; Align-GVGD: "Class C0". The histidine amino acid residue is found in multiple mammalian species, which suggests that this missense change does not adversely affect protein function.

NM_017662.5(TRPM6):c.1403G>A (p.Arg468His)

Gene: TRPM6 (transient receptor potential cation channel subfamily M member 6; minus strand). Cytogenetic location: 9q21.13.
Variant type: single nucleotide variant.
Coding change: c.1403G>A on transcript NM_017662.5 (MANE Select); coding-DNA position 1403, G replaced by A.
Protein change: p.Arg468His; replaces arginine 468 with histidine.
Molecular consequence: missense variant.
Genome position (GRCh38, 1-based): chr9:74,812,339, C>T on the plus strand (G>A on the coding strand, the complement: TRPM6 is on the minus strand). VCF-style: chr9-74812339-C-T. GRCh37 (hg19) VCF-style: chr9-77427255-C-T.
Other names: c.1388G>A, p.Arg463His (NM_001177310.2, NM_001177311.2); short protein forms R463H, R468H.
Identifiers: ClinVar variation 2085524 (VCV002085524.4), dbSNP rs373324464, ClinGen allele CA5084853.
Genomic context (GRCh38, chr9:74,812,339, plus strand): 5'-ATGAAATGTTCCATACTCACTGTATTGTAGAGCTCTTCCAGTCGAGGGATGGTAAGAAAG[C>T]GATGGAGGTTCACTCCATATTCTATTAAGAGCTTCACAAAATCCACCCGATCCATCACTA-3'
Protein context (NP_060132.3, residues 458-478): LLIEYGVNLH[Arg468His]FLTIPRLEEL